The following is an entry in ClinVar:

ClinVar aggregate classification (germline): Pathogenic (1 of 4 stars; one submission).

Submission:

Labcorp Genetics (formerly Invitae), Labcorp
Classification: Pathogenic. Last evaluated: 2022-07-25. Review status: criteria provided, single submitter. Criteria: Invitae Variant Classification Sherloc (09022015). Collection method: clinical testing. Allele origin: germline.
Comment: For these reasons, this variant has been classified as Pathogenic. ClinVar contains an entry for this variant (Variation ID: 1432165). This variant has not been reported in the literature in individuals affected with RDH11-related conditions. This variant is not present in population databases (gnomAD no frequency). This sequence change creates a premature translational stop signal (p.Leu80Ilefs*24) in the RDH11 gene. It is expected to result in an absent or disrupted protein product. Loss-of-function variants in RDH11 are known to be pathogenic (PMID: 24916380).

Literature cited by the submitters: PubMed 24916380.

NM_016026.4(RDH11):c.237dup (p.Leu80fs)

Genes: GPHN (gephyrin; plus strand), RDH11 (retinol dehydrogenase 11; minus strand). Cytogenetic location: 14q24.1.
Variant type: Duplication.
Coding change: c.237dup on transcript NM_016026.4 (MANE Select); coding-DNA position 237, one base duplicated (A; older notation c.237dupA).
Protein change: p.Leu80fs; shifts the reading frame from leucine 80.
Molecular consequence: frameshift variant.
Genome position (GRCh38, 1-based): chr14:67,692,550, T duplicated on the plus strand (A on the coding strand, the reverse complement: RDH11 is on the minus strand); the first of 2 consecutive T bases (chr14:67,692,550-67,692,551); duplicating either gives the same sequence. VCF-style (leftmost placement, unchanged base first): chr14-67692549-A-AT. GRCh37 (hg19) VCF-style: chr14-68159266-A-AT.
Other names: c.237dup, p.Leu80fs (NM_001252650.2); short protein forms L80fs.
Identifiers: ClinVar variation 1432165 (VCV001432165.6), dbSNP rs2140082978, ClinGen allele CA2573150099.
Genomic context (GRCh38, chr14:67,692,549, plus strand): 5'-CCAGTTTCCGCACCAACACCTGCTGGTTCCCTGTCGTGGTCTGGATCTCTTTGGCCACCA[A>AT]TTCCCCCTTTTCCACATCCCGGCAAGCTAAATATACTCGAGCTCCTGTCAGCCAACATAT-3'